The following is an entry in ClinVar:

NM_001908.5(CTSB):c.841C>T (p.Arg281Cys)

Gene: CTSB (cathepsin B). Cytogenetic location: 8p23.1.
Variant type: single nucleotide variant.
Coding change: c.841C>T on transcript NM_001908.5 (MANE Select); coding-DNA position 841, C replaced by T.
Protein change: p.Arg281Cys; replaces arginine 281 with cysteine.
Molecular consequence: missense variant.
Genome position (GRCh38, 1-based): chr8:11,845,742, G>A on the plus strand (C>T on the coding strand, the complement: CTSB is on the minus strand). VCF-style: chr8-11845742-G-A. GRCh37 (hg19) VCF-style: chr8-11703251-G-A.
Other names: c.469C>T, p.Arg157Cys (NM_001317237.2); c.841C>T, p.Arg281Cys (NM_001384714.1, NM_001384723.1, NM_001384724.1 and 8 more transcripts); short protein forms R157C, R281C.
Identifiers: ClinVar variation 2145615 (VCV002145615.4), dbSNP rs145252189, ClinGen allele CA4632439.

ClinVar aggregate classification (germline): Uncertain significance (1 of 4 stars; one submission).

Allele frequency attached by ClinVar (database versions not stated): gnomAD 0.00001; ExAC 0.00002; gnomAD exomes 0.00003; TOPMed 0.00003; ESP Exome Variant Server 0.00008.
gnomAD v4.1: 47 of 1,613,998 alleles (0.0029%); highest among the groups gnomAD compares: Middle Eastern, 0.016%; no homozygotes.

Submission:

Labcorp Genetics (formerly Invitae), Labcorp
Classification: Uncertain significance. Last evaluated: 2022-07-11. Review status: criteria provided, single submitter. Criteria: Invitae Variant Classification Sherloc (09022015). Collection method: clinical testing. Allele origin: germline.
Comment: In summary, the available evidence is currently insufficient to determine the role of this variant in disease. Therefore, it has been classified as a Variant of Uncertain Significance. Algorithms developed to predict the effect of missense changes on protein structure and function are either unavailable or do not agree on the potential impact of this missense change (SIFT: "Not Available"; PolyPhen-2: "Probably Damaging"; Align-GVGD: "Not Available"). This variant has not been reported in the literature in individuals affected with CTSB-related conditions. This variant is present in population databases (rs145252189, gnomAD 0.02%). This sequence change replaces arginine, which is basic and polar, with cysteine, which is neutral and slightly polar, at codon 281 of the CTSB protein (p.Arg281Cys).